The following is an entry in ClinVar:

NM_001042492.3(NF1):c.6263T>C (p.Leu2088Pro)

Gene: NF1 (neurofibromin 1; plus strand). Cytogenetic location: 17q11.2.
Variant type: single nucleotide variant.
Coding change: c.6263T>C on transcript NM_001042492.3 (MANE Select); coding-DNA position 6263, T replaced by C.
Protein change: p.Leu2088Pro; replaces leucine 2088 with proline.
Molecular consequence: missense variant.
Genome position (GRCh38, 1-based): chr17:31,336,750, T>C. VCF-style: chr17-31336750-T-C. GRCh37 (hg19) VCF-style: chr17-29663768-T-C.
Other names: c.6200T>C, p.Leu2067Pro (NM_000267.4); short protein forms L2067P, L2088P.
Identifiers: ClinVar variation 358 (VCV000000358.3), dbSNP rs137854561, ClinGen allele CA212547.

ClinVar aggregate classification (germline): Uncertain significance. Review status: criteria provided, single submitter (1 of 4 stars). 2 submissions from 2 submitters: Uncertain significance (1). 1 of the submissions does not count toward it. Last evaluated 2022-05-26.

Conditions:
Cardiovascular phenotype. Identifiers: MedGen CN230736.
Hereditary cancer-predisposing syndrome. Also called: Hereditary Cancer Syndrome; Tumor predisposition; Hereditary neoplastic syndrome; Neoplastic Syndromes, Hereditary. Identifiers: Orphanet 140162, MedGen C0027672, MeSH D009386, MONDO:0015356.
Neurofibromatosis, familial spinal (FSNF). Identifiers: Orphanet 636, MedGen C1834235, MONDO:0008078, OMIM 162210. Disease mechanism: loss of function.

Submissions (2):

Ambry Genetics
Classification: Uncertain significance for Cardiovascular phenotype; Hereditary cancer-predisposing syndrome. Last evaluated: 2022-05-26. Review status: criteria provided, single submitter. Criteria: Ambry Variant Classification Scheme 2023. Collection method: clinical testing. Allele origin: germline.
Comment: The p.L2067P variant (also known as c.6200T>C), located in coding exon 41 of the NF1 gene, results from a T to C substitution at nucleotide position 6200. The leucine at codon 2067 is replaced by proline, an amino acid with similar properties. Functional studies showed neurofibromin level in the patient's fibroblast was reduced to 51.9% +/- 5.4% of the control cells (Kaufmann D et al. Am J Hum Genet, 2001 Dec;69:1395-400). This amino acid position is highly conserved in available vertebrate species. In addition, this alteration is predicted to be deleterious by in silico analysis. Since supporting evidence is limited at this time, the clinical significance of this alteration remains unclear.

OMIM
Classification: Pathogenic for NEUROFIBROMATOSIS, FAMILIAL SPINAL. Last evaluated: 2001-12-01. Review status: no assertion criteria provided. Collection method: literature only. Allele origin: germline. Not counted in ClinVar's aggregate classification.

Literature cited by the submitters: PubMed 11704931 (cited by OMIM).